The following is an entry in ClinVar:

NM_005422.4(TECTA):c.5030G>T (p.Cys1677Phe)

Genes: TBCEL-TECTA (TBCEL-TECTA readthrough; plus strand), TECTA (tectorin alpha; plus strand). Cytogenetic location: 11q23.3.
Variant type: single nucleotide variant.
Coding change: c.5030G>T on transcript NM_005422.4 (MANE Select); coding-DNA position 5030, G replaced by T.
Protein change: p.Cys1677Phe; replaces cysteine 1677 with phenylalanine.
Molecular consequence: missense variant.
Genome position (GRCh38, 1-based): chr11:121,162,128, G>T. VCF-style: chr11-121162128-G-T. GRCh37 (hg19) VCF-style: chr11-121032837-G-T.
Other names: c.5972G>T, p.Cys1991Phe (NM_001378761.1); short protein forms C1991F, C1677F.
Identifiers: ClinVar variation 930099 (VCV000930099.4), dbSNP rs759579205, ClinGen allele CA6327643.

ClinVar aggregate classification (germline): Uncertain significance (1 of 4 stars; one submission).

Allele frequency attached by ClinVar (database versions not stated): gnomAD exomes below 0.00001; ExAC 0.00001.

Submission:

Laboratory for Molecular Medicine, Mass General Brigham Personalized Medicine
Classification: Uncertain significance. Last evaluated: 2019-11-06. Review status: criteria provided, single submitter. Criteria: LMM Criteria. Collection method: clinical testing. Allele origin: germline. Observed: 1 variant allele.
Comment: The p.Cys1677Phe variant in TECTA has not been previously reported in individuals with hearing loss but has been identified in 0.0008% (1/113690) of European chromosomes by gnomAD. Computational prediction tools and conservation analysis suggest that this variant may impact the protein, though this information is not predictive enough to determine pathogenicity. In summary, the clinical significance of this variant is uncertain. ACMG/AMP Criteria applied: PM2, PP3.